The following is an entry in ClinVar:

ClinVar aggregate classification (germline): Uncertain significance (1 of 4 stars; one submission).

Conditions:
Neuronal ceroid lipofuscinosis. Also called: Neuronal Ceroid Lipofuscinoses. Identifiers: Orphanet 216, Orphanet 79263, MedGen C0027877, MONDO:0016295. Disease mechanism: loss of function.

Submission:

Labcorp Genetics (formerly Invitae), Labcorp
Classification: Uncertain significance for Neuronal ceroid lipofuscinosis. Last evaluated: 2022-10-05. Review status: criteria provided, single submitter. Criteria: Invitae Variant Classification Sherloc (09022015). Collection method: clinical testing. Allele origin: germline.
Comment: This sequence change replaces alanine, which is neutral and non-polar, with serine, which is neutral and polar, at codon 120 of the CLN8 protein (p.Ala120Ser). This variant is not present in population databases (gnomAD no frequency). This variant has not been reported in the literature in individuals affected with CLN8-related conditions. ClinVar contains an entry for this variant (Variation ID: 1431099). Advanced modeling of protein sequence and biophysical properties (such as structural, functional, and spatial information, amino acid conservation, physicochemical variation, residue mobility, and thermodynamic stability) performed at Invitae indicates that this missense variant is not expected to disrupt CLN8 protein function. In summary, the available evidence is currently insufficient to determine the role of this variant in disease. Therefore, it has been classified as a Variant of Uncertain Significance.

NM_018941.4(CLN8):c.358G>T (p.Ala120Ser)

Gene: CLN8 (CLN8 transmembrane ER and ERGIC protein; plus strand). Cytogenetic location: 8p23.3.
Variant type: single nucleotide variant.
Coding change: c.358G>T on transcript NM_018941.4 (MANE Select); coding-DNA position 358, G replaced by T.
Protein change: p.Ala120Ser; replaces alanine 120 with serine.
Molecular consequence: missense variant.
Genome position (GRCh38, 1-based): chr8:1,771,412, G>T. VCF-style: chr8-1771412-G-T. GRCh37 (hg19) VCF-style: chr8-1719578-G-T.
Other names: short protein forms A120S.
Identifiers: ClinVar variation 1431099 (VCV001431099.3), dbSNP rs1353274959, ClinGen allele CA369953403.
Genomic context (GRCh38, chr8:1,771,412, plus strand): 5'-CAGAACTGGTGCTGGTTTCACATCACGACAGCAACGGGATTCTTTTGCTTTGAAAATGTT[G>T]CAGTCCACCTGTCCAACTTGATCTTCCGGACATTTGACTTGTTTCTGGTTATCCACCATC-3'
Protein context (NP_061764.2, residues 110-130): ATGFFCFENV[Ala120Ser]VHLSNLIFRT